The following is an entry in ClinVar:

ClinVar aggregate classification (germline): Uncertain significance. Review status: criteria provided, multiple submitters, no conflicts (2 of 4 stars). 4 submissions from 4 submitters: Uncertain significance (3). 1 of the submissions does not count toward it. Last evaluated 2024-08-13.

Conditions:
Hereditary cancer-predisposing syndrome. Also called: Tumor predisposition; Hereditary Cancer Syndrome; Hereditary neoplastic syndrome; Neoplastic Syndromes, Hereditary. Identifiers: Orphanet 140162, MedGen C0027672, MeSH D009386, MONDO:0015356.
Familial cancer of breast. Also called: BREAST CANCER, FAMILIAL; Hereditary breast cancer; hereditary breast carcinoma. Identifiers: Orphanet 227535, MedGen C0346153, MONDO:0016419, OMIM 114480. Disease mechanism: loss of function.

gnomAD v4.1: 2 of 1,613,954 alleles (0.00012%); highest among the groups gnomAD compares: Admixed American, 0.0017%; no homozygotes.

Submissions (4):

Labcorp Genetics (formerly Invitae), Labcorp
Classification: Uncertain significance for Familial cancer of breast. Last evaluated: 2024-08-13. Review status: criteria provided, single submitter. Criteria: Invitae Variant Classification Sherloc (09022015). Collection method: clinical testing. Allele origin: germline.
Comment: This sequence change replaces asparagine, which is neutral and polar, with serine, which is neutral and polar, at codon 1096 of the PALB2 protein (p.Asn1096Ser). This variant is not present in population databases (gnomAD no frequency). This missense change has been observed in individual(s) with breast cancer (PMID: 25225577, 30638972). ClinVar contains an entry for this variant (Variation ID: 183891). An algorithm developed to predict the effect of missense changes on protein structure and function (PolyPhen-2) suggests that this variant is likely to be disruptive. Algorithms developed to predict the effect of sequence changes on RNA splicing suggest that this variant may disrupt the consensus splice site. In summary, the available evidence is currently insufficient to determine the role of this variant in disease. Therefore, it has been classified as a Variant of Uncertain Significance.

Ambry Genetics
Classification: Uncertain significance for Hereditary cancer-predisposing syndrome. Last evaluated: 2024-04-14. Review status: criteria provided, single submitter. Criteria: Ambry Variant Classification Scheme 2023. Collection method: clinical testing. Allele origin: germline.
Comment: The p.N1096S variant (also known as c.3287A>G), located in coding exon 12 of the PALB2 gene, results from an A to G substitution at nucleotide position 3287. The asparagine at codon 1096 is replaced by serine, an amino acid with highly similar properties. This alteration was detected in a Portuguese high-risk breast cancer family but was not observed in a series of 311 additional Portuguese index cases (Hartley T, Hered Cancer Clin Pract 2014 ; 12(1):19). This amino acid position is highly conserved in available vertebrate species. In addition, this alteration is predicted to be tolerated by in silico analysis. Since supporting evidence is limited at this time, the clinical significance of this alteration remains unclear.

Color Diagnostics, LLC DBA Color Health
Classification: Uncertain significance for Hereditary cancer-predisposing syndrome. Last evaluated: 2022-09-06. Review status: criteria provided, single submitter. Criteria: ACMG Guidelines, 2015. Collection method: clinical testing. Allele origin: germline.
Comment: This missense variant replaces asparagine with serine at codon 1096 of the PALB2 protein. Computational prediction suggests that this variant may not impact protein structure and function (internally defined REVEL score threshold <= 0.5, PMID: 27666373). To our knowledge, functional studies have not been reported for this variant. This variant has been reported in an individual affected with bilateral breast cancer (PMID: 25225577). This variant has not been identified in the general population by the Genome Aggregation Database (gnomAD). The available evidence is insufficient to determine the role of this variant in disease conclusively. Therefore, this variant is classified as a Variant of Uncertain Significance.

Leiden Open Variation Database
Classification: Uncertain significance for Familial cancer of breast. Last evaluated: 2019-05-13. Review status: no assertion criteria provided. Collection method: curation. Allele origin: germline. Affected: yes. Not counted in ClinVar's aggregate classification.
Comment: Curators: Marc Tischkowitz, Arleen D. Auerbach. Submitter to LOVD: Marc Tischkowitz.

Literature cited by the submitters: PubMed 25225577 (cited by 4 submitters); PubMed 30638972 (cited by Labcorp Genetics (formerly Invitae), Labcorp).

NM_024675.4(PALB2):c.3287A>G (p.Asn1096Ser)

Gene: PALB2 (partner and localizer of BRCA2; minus strand). Cytogenetic location: 16p12.2.
Variant type: single nucleotide variant.
Coding change: c.3287A>G on transcript NM_024675.4 (MANE Select); coding-DNA position 3287, A replaced by G.
Protein change: p.Asn1096Ser; replaces asparagine 1096 with serine.
Molecular consequence: missense variant.
Genome position (GRCh38, 1-based): chr16:23,607,927, T>C on the plus strand (A>G on the coding strand, the complement: PALB2 is on the minus strand). VCF-style: chr16-23607927-T-C. GRCh37 (hg19) VCF-style: chr16-23619248-T-C.
Other names: short protein forms N1096S.
Identifiers: ClinVar variation 183891 (VCV000183891.17), dbSNP rs786201142, ClinGen allele CA186884.